The following is an entry in ClinVar:

NM_024675.4(PALB2):c.2014G>A (p.Glu672Lys)

Gene: PALB2 (partner and localizer of BRCA2; minus strand). Cytogenetic location: 16p12.2.
Variant type: single nucleotide variant.
Coding change: c.2014G>A on transcript NM_024675.4 (MANE Select); coding-DNA position 2014, G replaced by A.
Protein change: p.Glu672Lys; replaces glutamic acid 672 with lysine.
Molecular consequence: missense variant.
Genome position (GRCh38, 1-based): chr16:23,630,140, C>T on the plus strand (G>A on the coding strand, the complement: PALB2 is on the minus strand). VCF-style: chr16-23630140-C-T. GRCh37 (hg19) VCF-style: chr16-23641461-C-T.
Other names: short protein forms E672K.
Identifiers: ClinVar variation 422427 (VCV000422427.16), dbSNP rs45532440, ClinGen allele CA16620140.
Genomic context (GRCh38, chr16:23,630,140, plus strand): 5'-GGCTTTGCGAGTTTGGCCTTTTGGGATGTGATTTTCCTGGTAGAACAATAAGGTCCTCTT[C>T]TAAGTCCTCCATTTCTGTATCCATGCGTTTAGGACTCAGTTCCTCTGGAAAAATACAGCT-3'
Protein context (NP_078951.2, residues 662-682): KRMDTEMEDL[Glu672Lys]EDLIVLPGKS

ClinVar aggregate classification (germline): Conflicting classifications of pathogenicity. Review status: criteria provided, conflicting classifications (1 of 4 stars). 4 submissions from 4 submitters: Uncertain significance (3); Likely benign (1). Last evaluated 2026-01-21.

Conditions:
Hereditary cancer-predisposing syndrome. Also called: Neoplastic Syndromes, Hereditary; Tumor predisposition; Hereditary neoplastic syndrome; Hereditary Cancer Syndrome. Identifiers: Orphanet 140162, MedGen C0027672, MeSH D009386, MONDO:0015356.
Familial cancer of breast. Also called: BREAST CANCER, FAMILIAL; hereditary breast carcinoma; Hereditary breast cancer. Identifiers: Orphanet 227535, MedGen C0346153, MONDO:0016419, OMIM 114480. Disease mechanism: loss of function.

Submissions (4):

Ambry Genetics
Classification: Likely benign for Hereditary cancer-predisposing syndrome. Last evaluated: 2026-01-21. Review status: criteria provided, single submitter. Criteria: Ambry Variant Classification Scheme 2023. Collection method: clinical testing. Allele origin: germline.

Labcorp Genetics (formerly Invitae), Labcorp
Classification: Uncertain significance for Familial cancer of breast. Last evaluated: 2025-02-06. Review status: criteria provided, single submitter. Criteria: Invitae Variant Classification Sherloc (09022015). Collection method: clinical testing. Allele origin: germline.
Comment: This sequence change replaces glutamic acid, which is acidic and polar, with lysine, which is basic and polar, at codon 672 of the PALB2 protein (p.Glu672Lys). This variant is not present in population databases (gnomAD no frequency). This variant has not been reported in the literature in individuals affected with PALB2-related conditions. ClinVar contains an entry for this variant (Variation ID: 422427). Invitae Evidence Modeling of protein sequence and biophysical properties (such as structural, functional, and spatial information, amino acid conservation, physicochemical variation, residue mobility, and thermodynamic stability) indicates that this missense variant is not expected to disrupt PALB2 protein function with a negative predictive value of 80%. In summary, the available evidence is currently insufficient to determine the role of this variant in disease. Therefore, it has been classified as a Variant of Uncertain Significance.

Baylor Genetics
Classification: Uncertain significance for Familial cancer of breast. Last evaluated: 2023-11-22. Review status: criteria provided, single submitter. Criteria: ACMG Guidelines, 2015. Collection method: clinical testing. Allele origin: unknown.

GeneDx
Classification: Uncertain significance. Last evaluated: 2022-05-11. Review status: criteria provided, single submitter. Criteria: GeneDx Variant Classification Process June 2021. Collection method: clinical testing. Allele origin: germline. Affected: yes.
Comment: Not observed at significant frequency in large population cohorts (gnomAD); In silico analysis supports that this missense variant does not alter protein structure/function; Has not been previously published as pathogenic or benign to our knowledge; This variant is associated with the following publications: (PMID: 22941656)